The following is an entry in ClinVar:

NM_198576.4(AGRN):c.5133G>A (p.Ala1711=)

Gene: AGRN (agrin; plus strand). Cytogenetic location: 1p36.33.
Variant type: single nucleotide variant.
Coding change: c.5133G>A on transcript NM_198576.4 (MANE Select); coding-DNA position 5133, G replaced by A.
Protein change: p.Ala1711=; no amino-acid change (alanine 1711 retained).
Molecular consequence: synonymous variant.
Genome position (GRCh38, 1-based): chr1:1,050,583, G>A. VCF-style: chr1-1050583-G-A. GRCh37 (hg19) VCF-style: chr1-985963-G-A.
Other names: c.5133G>A, p.Ala1711= (NM_001305275.2); c.4818G>A, p.Ala1606= (NM_001364727.2).
Identifiers: ClinVar variation 541186 (VCV000541186.34), dbSNP rs376535149, ClinGen allele CA509860.

ClinVar aggregate classification (germline): Likely benign. Review status: criteria provided, multiple submitters, no conflicts (2 of 4 stars). 2 submissions from 2 submitters: Likely benign (2). Last evaluated 2025-11-25.

Conditions:
Congenital myasthenic syndrome 8. Also called: MYASTHENIC SYNDROME, CONGENITAL, DUE TO AGRIN DEFICIENCY; Myasthenic syndrome, congenital, 8, with pre- and postsynaptic defects. Identifiers: Orphanet 590, MedGen C3808739, MONDO:0014052, OMIM 615120.

Allele frequency attached by ClinVar (database versions not stated): gnomAD 0.00001 and 0.00002; TOPMed 0.00001; ExAC 0.00005; gnomAD exomes 0.00005 and 0.00010; ESP Exome Variant Server 0.00008.
gnomAD v4.1: 144 of 1,609,292 alleles (0.0089%); highest among the groups gnomAD compares: East Asian, 0.022%; no homozygotes.

Submissions (2):

Labcorp Genetics (formerly Invitae), Labcorp
Classification: Likely benign for Congenital myasthenic syndrome 8. Last evaluated: 2025-11-25. Review status: criteria provided, single submitter. Criteria: Invitae Variant Classification Sherloc (09022015). Collection method: clinical testing. Allele origin: germline.

CeGaT Center for Human Genetics Tuebingen
Classification: Likely benign. Last evaluated: 2022-07-01. Review status: criteria provided, single submitter. Criteria: CeGaT Center For Human Genetics Tuebingen Variant Classification Criteria Version 2. Collection method: clinical testing. Allele origin: germline. Affected: yes. Observed: 1 variant allele.
Comment: AGRN: BP4, BP7